The following is an entry in ClinVar:

ClinVar aggregate classification (germline): Uncertain significance (1 of 4 stars; one submission).

Submission:

Labcorp Genetics (formerly Invitae), Labcorp
Classification: Uncertain significance. Last evaluated: 2023-01-22. Review status: criteria provided, single submitter. Criteria: Invitae Variant Classification Sherloc (09022015). Collection method: clinical testing. Allele origin: germline.
Comment: In summary, the available evidence is currently insufficient to determine the role of this variant in disease. Therefore, it has been classified as a Variant of Uncertain Significance. Advanced modeling of protein sequence and biophysical properties (such as structural, functional, and spatial information, amino acid conservation, physicochemical variation, residue mobility, and thermodynamic stability) performed at Invitae indicates that this missense variant is expected to disrupt CYP27B1 protein function. This variant has not been reported in the literature in individuals affected with CYP27B1-related conditions. This variant is not present in population databases (gnomAD no frequency). This sequence change replaces glycine, which is neutral and non-polar, with valine, which is neutral and non-polar, at codon 451 of the CYP27B1 protein (p.Gly451Val).

NM_000785.4(CYP27B1):c.1352G>T (p.Gly451Val)

Gene: CYP27B1 (cytochrome P450 family 27 subfamily B member 1; minus strand). Cytogenetic location: 12q14.1.
Variant type: single nucleotide variant.
Coding change: c.1352G>T on transcript NM_000785.4 (MANE Select); coding-DNA position 1352, G replaced by T.
Protein change: p.Gly451Val; replaces glycine 451 with valine.
Molecular consequence: missense variant.
Genome position (GRCh38, 1-based): chr12:57,763,672, C>A on the plus strand (G>T on the coding strand, the complement: CYP27B1 is on the minus strand). VCF-style: chr12-57763672-C-A. GRCh37 (hg19) VCF-style: chr12-58157455-C-A.
Other names: short protein forms G451V.
Identifiers: ClinVar variation 2722314 (VCV002722314.3), dbSNP rs2540915064, ClinGen allele CA385500855.